The following is an entry in ClinVar:

ClinVar aggregate classification (germline): Likely benign (0 of 4 stars; one submission).

Conditions:
RERE-related disorder. Also called: RERE-Related Disorders; RERE-related condition. Identifiers: MedGen CN381537.

Allele frequency attached by ClinVar (database versions not stated): gnomAD exomes 0.00001; ESP Exome Variant Server 0.00008.
gnomAD v4.1: 12 of 1,614,156 alleles (0.00074%); highest among the groups gnomAD compares: East Asian, 0.0022%; no homozygotes.

Submission:

PreventionGenetics, part of Exact Sciences
Classification: Likely benign for RERE-related condition. Last evaluated: 2022-12-01. Review status: no assertion criteria provided. Collection method: clinical testing. Allele origin: germline.
Comment: This variant is classified as likely benign based on ACMG/AMP sequence variant interpretation guidelines (Richards et al. 2015 PMID: 25741868, with internal and published modifications).

NM_001042681.2(RERE):c.1410C>T (p.Pro470=)

Gene: RERE (arginine-glutamic acid dipeptide repeats; minus strand). Cytogenetic location: 1p36.23.
Variant type: single nucleotide variant.
Coding change: c.1410C>T on transcript NM_001042681.2 (MANE Select); coding-DNA position 1410, C replaced by T.
Protein change: p.Pro470=; no amino-acid change (proline 470 retained).
Molecular consequence: synonymous variant. On other transcripts: 5 prime UTR variant (1).
Genome position (GRCh38, 1-based): chr1:8,365,849, G>A on the plus strand (C>T on the coding strand, the complement: RERE is on the minus strand). VCF-style: chr1-8365849-G-A. GRCh37 (hg19) VCF-style: chr1-8425909-G-A.
Other names: c.-253C>T (NM_001042682.2); c.1410C>T, p.Pro470= (NM_012102.4).
Identifiers: ClinVar variation 3061466 (VCV003061466.2), dbSNP rs370348081, ClinGen allele CA17702465.